The following is an entry in ClinVar:

NM_000059.4(BRCA2):c.7435+3A>G

Gene: BRCA2 (BRCA2 DNA repair associated; plus strand). Cytogenetic location: 13q13.1.
Variant type: single nucleotide variant.
Coding change: c.7435+3A>G on transcript NM_000059.4 (MANE Select); 3 bases into the intron after coding-DNA position 7435, A replaced by G.
Molecular consequence: intron variant.
Genome position (GRCh38, 1-based): chr13:32,355,291, A>G. VCF-style: chr13-32355291-A-G. GRCh37 (hg19) VCF-style: chr13-32929428-A-G.
Identifiers: ClinVar variation 234911 (VCV000234911.10), dbSNP rs876661289, ClinGen allele CA10577490.

ClinVar aggregate classification (germline): Uncertain significance. Review status: criteria provided, multiple submitters, no conflicts (2 of 4 stars). 2 submissions from 2 submitters: Uncertain significance (2). Last evaluated 2023-09-08.

Conditions:
Hereditary breast ovarian cancer syndrome. Also called: BRCA1- and BRCA2-Associated Hereditary Breast and Ovarian Cancer; Hereditary breast and ovarian cancer syndrome; Hereditary breast and ovarian cancer; Hereditary breast and ovarian cancer syndrome (HBOC); Breast and ovarian cancer; Hereditary breast and/or ovarian cancer syndrome. Identifiers: Orphanet 145, MedGen C0677776, MeSH D061325, MONDO:0003582. Disease mechanism: loss of function.

Submissions (2):

GeneDx
Classification: Uncertain significance. Last evaluated: 2023-09-08. Review status: criteria provided, single submitter. Criteria: GeneDx Variant Classification Process June 2021. Collection method: clinical testing. Allele origin: germline. Affected: yes.
Comment: Not observed at significant frequency in large population cohorts (gnomAD); Has not been previously published as pathogenic or benign to our knowledge; In silico analysis is inconclusive as to whether the variant alters gene splicing. In the absence of RNA/functional studies, the actual effect of this sequence change is unknown.; Also known as 7663+3A>G; This variant is associated with the following publications: (PMID: 31191615)

Labcorp Genetics (formerly Invitae), Labcorp
Classification: Uncertain significance for Hereditary breast ovarian cancer syndrome. Last evaluated: 2018-02-27. Review status: criteria provided, single submitter. Criteria: Invitae Variant Classification Sherloc (09022015). Collection method: clinical testing. Allele origin: germline.
Comment: This variant is not present in population databases (ExAC no frequency). This sequence change falls in intron 14 of the BRCA2 gene. It does not directly change the encoded amino acid sequence of the BRCA2 protein, but it affects a nucleotide within the consensus splice site of the intron. This variant has not been reported in the literature in individuals with BRCA2-related disease. ClinVar contains an entry for this variant (Variation ID: 234911). In summary, the available evidence is currently insufficient to determine the role of this variant in disease. Therefore, it has been classified as a Variant of Uncertain Significance. Nucleotide substitutions within the consensus splice site are a relatively common cause of aberrant splicing (PMID: 17576681, 9536098). Algorithms developed to predict the effect of sequence changes on RNA splicing suggest that this variant may disrupt the consensus splice site, but this prediction has not been confirmed by published transcriptional studies.

Literature cited by the submitters: PubMed 17576681 (cited by Labcorp Genetics (formerly Invitae), Labcorp); PubMed 9536098 (cited by Labcorp Genetics (formerly Invitae), Labcorp).